The following is an entry in ClinVar:

NM_001099403.2(PRDM8):c.988G>C (p.Val330Leu)

Genes: PRDM8 (PR/SET domain 8; plus strand), LOC129992744 (ATAC-STARR-seq lymphoblastoid silent region 15521; plus strand). Cytogenetic location: 4q21.21.
Variant type: single nucleotide variant.
Coding change: c.988G>C on transcript NM_001099403.2 (MANE Select); coding-DNA position 988, G replaced by C.
Protein change: p.Val330Leu; replaces valine 330 with leucine.
Molecular consequence: missense variant.
Genome position (GRCh38, 1-based): chr4:80,202,450, G>C. VCF-style: chr4-80202450-G-C. GRCh37 (hg19) VCF-style: chr4-81123604-G-C.
Other names: c.988G>C, p.Val330Leu (NM_020226.4); short protein forms V330L.
Identifiers: ClinVar variation 3666987 (VCV003666987.2).

ClinVar aggregate classification (germline): Uncertain significance (1 of 4 stars; one submission).

Conditions:
Early-onset Lafora body disease. Also called: Epilepsy, progressive myoclonic, 10. Identifiers: Orphanet 324290, MedGen C4225258, MONDO:0014717, OMIM 616640.

gnomAD v4.1: 9 of 1,545,820 alleles (0.00058%); highest among the groups gnomAD compares: Non-Finnish European, 0.00017%; no homozygotes.

Submission:

Labcorp Genetics (formerly Invitae), Labcorp
Classification: Uncertain significance for Early-onset Lafora body disease. Last evaluated: 2024-04-22. Review status: criteria provided, single submitter. Criteria: Invitae Variant Classification Sherloc (09022015). Collection method: clinical testing. Allele origin: germline.
Comment: This sequence change replaces valine, which is neutral and non-polar, with leucine, which is neutral and non-polar, at codon 330 of the PRDM8 protein (p.Val330Leu). This variant is present in population databases (rs753912583, gnomAD 0.01%). This variant has not been reported in the literature in individuals affected with PRDM8-related conditions. Algorithms developed to predict the effect of missense changes on protein structure and function output the following: SIFT: "Not Available"; PolyPhen-2: "Benign"; Align-GVGD: "Not Available". The leucine amino acid residue is found in multiple mammalian species, which suggests that this missense change does not adversely affect protein function. In summary, the available evidence is currently insufficient to determine the role of this variant in disease. Therefore, it has been classified as a Variant of Uncertain Significance.